The following is an entry in ClinVar:

NM_022173.4(TIA1):c.277+9A>G

Gene: TIA1 (TIA1 cytotoxic granule associated RNA binding protein; minus strand). Cytogenetic location: 2p13.3.
Variant type: single nucleotide variant.
Coding change: c.277+9A>G on transcript NM_022173.4 (MANE Select); 9 bases into the intron after coding-DNA position 277, A replaced by G.
Molecular consequence: intron variant.
Genome position (GRCh38, 1-based): chr2:70,229,255, T>C on the plus strand (A>G on the coding strand, the complement: TIA1 is on the minus strand). VCF-style: chr2-70229255-T-C. GRCh37 (hg19) VCF-style: chr2-70456387-T-C.
Other names: c.166+9A>G (NM_001351513.1, NM_001351511.1); c.172+9A>G (NM_001351512.1); c.82+9A>G (NM_001351514.2, NM_001351523.2); c.-144+9A>G (NM_001351524.2); c.-367+9A>G (NM_001351517.2); c.277+9A>G (NM_001351510.2, NM_022037.4, NM_001351508.2 and 5 more transcripts); c.-177+9A>G (NM_001351525.2); c.-113+9A>G (NM_001351515.2); and 1 more.
Identifiers: ClinVar variation 1920509 (VCV001920509.5), dbSNP rs1685069325, ClinGen allele CA1031987135.

ClinVar aggregate classification (germline): Uncertain significance (1 of 4 stars; one submission).

Conditions:
Welander distal myopathy (WDM). Also called: MUSCULAR DYSTROPHY, DISTAL, LATE-ONSET, AUTOSOMAL DOMINANT; Gower's muscular dystrophy; Welander distal myopathy, Swedish type; Distal myopathy, Swedish type. Identifiers: Orphanet 603, MedGen C0221054, MONDO:0011466, OMIM 604454.

Allele frequency attached by ClinVar (database versions not stated): gnomAD 0.00001.

Submission:

Labcorp Genetics (formerly Invitae), Labcorp
Classification: Uncertain significance for Welander distal myopathy. Last evaluated: 2022-09-19. Review status: criteria provided, single submitter. Criteria: Invitae Variant Classification Sherloc (09022015). Collection method: clinical testing. Allele origin: germline.
Comment: In summary, the available evidence is currently insufficient to determine the role of this variant in disease. Therefore, it has been classified as a Variant of Uncertain Significance. Algorithms developed to predict the effect of sequence changes on RNA splicing suggest that this variant may create or strengthen a splice site. This variant has not been reported in the literature in individuals affected with TIA1-related conditions. This variant is not present in population databases (gnomAD no frequency). This sequence change falls in intron 4 of the TIA1 gene. It does not directly change the encoded amino acid sequence of the TIA1 protein.